The following is an entry in ClinVar:

NM_000834.5(GRIN2B):c.2540G>A (p.Arg847Gln)

Gene: GRIN2B (glutamate ionotropic receptor NMDA type subunit 2B; minus strand). Cytogenetic location: 12p13.1.
Variant type: single nucleotide variant.
Coding change: c.2540G>A on transcript NM_000834.5 (MANE Select); coding-DNA position 2540, G replaced by A.
Protein change: p.Arg847Gln; replaces arginine 847 with glutamine.
Molecular consequence: missense variant.
Genome position (GRCh38, 1-based): chr12:13,567,083, C>T on the plus strand (G>A on the coding strand, the complement: GRIN2B is on the minus strand). VCF-style: chr12-13567083-C-T. GRCh37 (hg19) VCF-style: chr12-13720017-C-T.
Other names: short protein forms R847Q.
Identifiers: ClinVar variation 656203 (VCV000656203.9), dbSNP rs1591608943, ClinGen allele CA383996092.
Genomic context (GRCh38, chr12:13,567,083, plus strand): 5'-ACTCTGCTGATGGAGAAGACCATGCCAGGCTTGCCAGAACAGACACCCATAAAGCAATGT[C>T]GGAACTGCCAATAGAAAAGGTGTTCGCAGATGAAGGTGATGAGGCTGAGAGCCATGGCCG-3'
Protein context (NP_000825.2, residues 837-857): ICEHLFYWQF[Arg847Gln]HCFMGVCSGK

ClinVar aggregate classification (germline): Uncertain significance (1 of 4 stars; one submission).

Conditions:
Intellectual developmental disorder, autosomal dominant 6, with or without seizures. Also called: Intellectual disability, autosomal dominant 6; GRIN2B-related developmental delay, intellectual disability and autism spectrum disorder. Identifiers: Orphanet 589547, MedGen C3151411, MONDO:0013509, OMIM 613970.
Developmental and epileptic encephalopathy, 27 (DEE27). Also called: GRIN2B-Related Neurodevelopmental Disorder; Epileptic encephalopathy, early infantile, 27. Identifiers: Orphanet 3451, MedGen C4015316, MONDO:0014505, OMIM 616139.

Allele frequency attached by ClinVar (database versions not stated): gnomAD exomes below 0.00001; TOPMed 0.00001; gnomAD 0.00001.
gnomAD v4.1: 4 of 1,614,036 alleles (0.00025%); highest among the groups gnomAD compares: African/African-American, 0.0027%; no homozygotes.

Submission:

Labcorp Genetics (formerly Invitae), Labcorp
Classification: Uncertain significance for Developmental and epileptic encephalopathy, 27; Intellectual developmental disorder, autosomal dominant 6, with or without seizures. Last evaluated: 2024-10-04. Review status: criteria provided, single submitter. Criteria: Invitae Variant Classification Sherloc (09022015). Collection method: clinical testing. Allele origin: germline.
Comment: This sequence change replaces arginine, which is basic and polar, with glutamine, which is neutral and polar, at codon 847 of the GRIN2B protein (p.Arg847Gln). This variant is not present in population databases (gnomAD no frequency). This variant has not been reported in the literature in individuals affected with GRIN2B-related conditions. ClinVar contains an entry for this variant (Variation ID: 656203). Invitae Evidence Modeling of protein sequence and biophysical properties (such as structural, functional, and spatial information, amino acid conservation, physicochemical variation, residue mobility, and thermodynamic stability) has been performed for this missense variant. However, the output from this modeling did not meet the statistical confidence thresholds required to predict the impact of this variant on GRIN2B protein function. In summary, the available evidence is currently insufficient to determine the role of this variant in disease. Therefore, it has been classified as a Variant of Uncertain Significance.